The following is an entry in ClinVar:

NM_003086.4(SNAPC4):c.842G>A (p.Arg281Gln)

Gene: SNAPC4 (small nuclear RNA activating complex polypeptide 4; minus strand). Cytogenetic location: 9q34.3.
Variant type: single nucleotide variant.
Coding change: c.842G>A on transcript NM_003086.4 (MANE Select); coding-DNA position 842, G replaced by A.
Protein change: p.Arg281Gln; replaces arginine 281 with glutamine.
Molecular consequence: missense variant.
Genome position (GRCh38, 1-based): chr9:136,392,075, C>T on the plus strand (G>A on the coding strand, the complement: SNAPC4 is on the minus strand). VCF-style: chr9-136392075-C-T. GRCh37 (hg19) VCF-style: chr9-139286527-C-T.
Other names: c.842G>A, p.Arg281Gln (NM_001394201.1, NM_001394202.1, NM_001394203.1); short protein forms R281Q.
Identifiers: ClinVar variation 2463104 (VCV002463104.3), dbSNP rs377305166, ClinGen allele CA5334663.

ClinVar aggregate classification (germline): Conflicting classifications of pathogenicity. Review status: criteria provided, conflicting classifications (1 of 4 stars). 2 submissions from 2 submitters: Uncertain significance (1); Likely benign (1). Last evaluated 2026-03-30.

Conditions:
Inborn genetic diseases. Identifiers: MedGen C0950123, MeSH D030342.

Allele frequency attached by ClinVar (database versions not stated): ESP Exome Variant Server 0.00008; gnomAD exomes 0.00001; gnomAD 0.00007; ExAC 0.00002; TOPMed 0.00006.

Submissions (2):

GeneDx
Classification: Uncertain significance. Last evaluated: 2026-03-30. Review status: criteria provided, single submitter. Criteria: GeneDx Variant Classification Process June 2021. Collection method: clinical testing. Allele origin: germline.
Comment: In silico analysis suggests that this missense variant does not alter protein structure/function; Has not been previously published as pathogenic or benign to our knowledge

Ambry Genetics
Classification: Likely benign for Inborn genetic diseases. Last evaluated: 2023-02-10. Review status: criteria provided, single submitter. Criteria: Ambry Variant Classification Scheme 2023. Collection method: clinical testing. Allele origin: germline.